The following is an entry in ClinVar:

NM_013352.4(DSE):c.693A>G (p.Leu231=)

Gene: DSE (dermatan sulfate epimerase; plus strand). Cytogenetic location: 6q22.1.
Variant type: single nucleotide variant.
Coding change: c.693A>G on transcript NM_013352.4 (MANE Select); coding-DNA position 693, A replaced by G.
Protein change: p.Leu231=; no amino-acid change (leucine 231 retained).
Molecular consequence: synonymous variant. On other transcripts: 5 prime UTR variant (1), non-coding transcript variant (1), intron variant (2).
Genome position (GRCh38, 1-based): chr6:116,430,976, A>G. VCF-style: chr6-116430976-A-G. GRCh37 (hg19) VCF-style: chr6-116752139-A-G.
Other names: c.693A>G, p.Leu231= (NM_001080976.3, NM_001322937.2, NM_001322938.2 and 2 more transcripts); c.750A>G, p.Leu250= (NM_001322939.2); c.132A>G, p.Leu44= (NM_001322940.2, NM_001322941.2); c.-171A>G (NM_001374520.1); c.83+4149A>G (NM_001374521.1); c.670+4149A>G (NM_001322943.2).
Identifiers: ClinVar variation 762929 (VCV000762929.6), dbSNP rs747871581, ClinGen allele CA3969561.

ClinVar aggregate classification (germline): Likely benign. Review status: criteria provided, single submitter (1 of 4 stars). 2 submissions from 2 submitters: Likely benign (1). 1 of the submissions does not count toward it. Last evaluated 2025-05-21.

Conditions:
DSE-related disorder. Also called: DSE-related condition.
Ehlers-Danlos syndrome, musculocontractural type 2 (EDSMC2). Identifiers: Orphanet 2953, MedGen C3809845, MONDO:0014236, OMIM 615539.

Allele frequency attached by ClinVar (database versions not stated): TOPMed below 0.00001; ExAC 0.00001; gnomAD exomes 0.00001 and 0.00002.
gnomAD v4.1: 14 of 1,613,882 alleles (0.00087%); highest among the groups gnomAD compares: East Asian, 0.0022%; no homozygotes.

Submissions (2):

Labcorp Genetics (formerly Invitae), Labcorp
Classification: Likely benign for Ehlers-Danlos syndrome, musculocontractural type 2. Last evaluated: 2025-05-21. Review status: criteria provided, single submitter. Criteria: Invitae Variant Classification Sherloc (09022015). Collection method: clinical testing. Allele origin: germline.

PreventionGenetics, part of Exact Sciences
Classification: Likely benign for DSE-related condition. Last evaluated: 2022-12-19. Review status: no assertion criteria provided. Collection method: clinical testing. Allele origin: germline. Not counted in ClinVar's aggregate classification.
Comment: This variant is classified as likely benign based on ACMG/AMP sequence variant interpretation guidelines (Richards et al. 2015 PMID: 25741868, with internal and published modifications).